The following is an entry in ClinVar:

ClinVar aggregate classification (germline): Uncertain significance. Review status: criteria provided, multiple submitters, no conflicts (2 of 4 stars). 2 submissions from 2 submitters: Uncertain significance (2). Last evaluated 2024-07-05.

Conditions:
Hereditary spastic paraplegia 46. Also called: Spastic paraplegia 46, autosomal recessive. Identifiers: Orphanet 320391, MedGen C2828721, MONDO:0013737, OMIM 614409.
Spastic paraplegia. Identifiers: MedGen C0037772, HP:0001258.

Submissions (2):

3billion
Classification: Uncertain significance for Hereditary spastic paraplegia 46. Last evaluated: 2024-07-05. Review status: criteria provided, single submitter. Criteria: ACMG Guidelines, 2015. Collection method: clinical testing. Allele origin: germline. Affected: yes.
Comment: The variant is not observed in the gnomAD v4.0.0 dataset. Predicted Consequence/Location: The majority of the known disease-causing variants of this gene are variants expected to result in premature termination of the protein. In silico tool predictions suggest damaging effect of the variant on gene or gene product [REVEL: 0.74 (>=0.6, sensitivity 0.68 and specificity 0.92); 3Cnet: 0.37 (>=0.6, sensitivity 0.72 and precision 0.9)]. The variant has been reported as of uncertain significance (ClinVar ID: VCV002420252). Therefore, this variant is classified as VUS according to the recommendation of ACMG/AMP guideline.

Labcorp Genetics (formerly Invitae), Labcorp
Classification: Uncertain significance for Spastic paraplegia. Last evaluated: 2022-12-27. Review status: criteria provided, single submitter. Criteria: Invitae Variant Classification Sherloc (09022015). Collection method: clinical testing. Allele origin: germline.
Comment: In summary, the available evidence is currently insufficient to determine the role of this variant in disease. Therefore, it has been classified as a Variant of Uncertain Significance. Advanced modeling of protein sequence and biophysical properties (such as structural, functional, and spatial information, amino acid conservation, physicochemical variation, residue mobility, and thermodynamic stability) performed at Invitae indicates that this missense variant is expected to disrupt GBA2 protein function. This missense change has been observed in individual(s) with hereditary spastic paraplegia (PMID: 34782662). This variant is not present in population databases (gnomAD no frequency). This sequence change replaces aspartic acid, which is acidic and polar, with tyrosine, which is neutral and polar, at codon 597 of the GBA2 protein (p.Asp597Tyr).

Literature cited by the submitters: PubMed 34782662 (cited by Labcorp Genetics (formerly Invitae), Labcorp).

NM_020944.3(GBA2):c.1789G>T (p.Asp597Tyr)

Gene: GBA2 (glucosylceramidase beta 2; minus strand). Cytogenetic location: 9p13.3.
Variant type: single nucleotide variant.
Coding change: c.1789G>T on transcript NM_020944.3 (MANE Select); coding-DNA position 1789, G replaced by T.
Protein change: p.Asp597Tyr; replaces aspartic acid 597 with tyrosine.
Molecular consequence: missense variant.
Genome position (GRCh38, 1-based): chr9:35,739,008, C>A on the plus strand (G>T on the coding strand, the complement: GBA2 is on the minus strand). VCF-style: chr9-35739008-C-A. GRCh37 (hg19) VCF-style: chr9-35739005-C-A.
Other names: c.1789G>T, p.Asp597Tyr (NM_001330660.2); short protein forms D597Y.
Identifiers: ClinVar variation 2420252 (VCV002420252.5), dbSNP rs2490857820, ClinGen allele CA373410513.